The following is an entry in ClinVar:

NM_005263.5(GFI1):c.191C>A (p.Ala64Asp)

Gene: GFI1 (growth factor independent 1 transcriptional repressor; minus strand). Cytogenetic location: 1p22.1.
Variant type: single nucleotide variant.
Coding change: c.191C>A on transcript NM_005263.5 (MANE Select); coding-DNA position 191, C replaced by A.
Protein change: p.Ala64Asp; replaces alanine 64 with aspartic acid.
Molecular consequence: missense variant.
Genome position (GRCh38, 1-based): chr1:92,482,971, G>T on the plus strand (C>A on the coding strand, the complement: GFI1 is on the minus strand). VCF-style: chr1-92482971-G-T. GRCh37 (hg19) VCF-style: chr1-92948528-G-T.
Other names: c.191C>A, p.Ala64Asp (NM_001127215.3, NM_001127216.3); short protein forms A64D.
Identifiers: ClinVar variation 834993 (VCV000834993.8), dbSNP rs1658344685, ClinGen allele CA341150505.

ClinVar aggregate classification (germline): Uncertain significance. Review status: criteria provided, multiple submitters, no conflicts (2 of 4 stars). 2 submissions from 2 submitters: Uncertain significance (2). Last evaluated 2025-05-27.

Conditions:
Neutropenia, severe congenital, 2, autosomal dominant. Identifiers: Orphanet 486, MedGen C2751288, MONDO:0013139, OMIM 613107.

Allele frequency attached by ClinVar (database versions not stated): gnomAD exomes below 0.00001.
gnomAD v4.1: 4 of 1,612,904 alleles (0.00025%); highest among the groups gnomAD compares: Non-Finnish European, 0.00034%; no homozygotes.

Submissions (2):

Ambry Genetics
Classification: Uncertain significance. Last evaluated: 2025-05-27. Review status: criteria provided, single submitter. Criteria: Ambry Variant Classification Scheme 2023. Collection method: clinical testing. Allele origin: germline.
Comment: The p.A64D variant (also known as c.191C>A), located in coding exon 2 of the GFI1 gene, results from a C to A substitution at nucleotide position 191. The alanine at codon 64 is replaced by aspartic acid, an amino acid with dissimilar properties. This amino acid position is conserved. In addition, this alteration is predicted to be tolerated by in silico analysis. Based on the available evidence, the clinical significance of this variant remains unclear.

Labcorp Genetics (formerly Invitae), Labcorp
Classification: Uncertain significance for Neutropenia, severe congenital, 2, autosomal dominant. Last evaluated: 2024-10-07. Review status: criteria provided, single submitter. Criteria: Invitae Variant Classification Sherloc (09022015). Collection method: clinical testing. Allele origin: germline.
Comment: This sequence change replaces alanine, which is neutral and non-polar, with aspartic acid, which is acidic and polar, at codon 64 of the GFI1 protein (p.Ala64Asp). This variant is not present in population databases (gnomAD no frequency). This variant has not been reported in the literature in individuals affected with GFI1-related conditions. ClinVar contains an entry for this variant (Variation ID: 834993). Invitae Evidence Modeling of protein sequence and biophysical properties (such as structural, functional, and spatial information, amino acid conservation, physicochemical variation, residue mobility, and thermodynamic stability) indicates that this missense variant is not expected to disrupt GFI1 protein function with a negative predictive value of 80%. In summary, the available evidence is currently insufficient to determine the role of this variant in disease. Therefore, it has been classified as a Variant of Uncertain Significance.